The following is an entry in ClinVar:

ClinVar aggregate classification (germline): Conflicting classifications of pathogenicity. Review status: criteria provided, conflicting classifications (1 of 4 stars). 3 submissions from 3 submitters: Uncertain significance (1); Likely benign (2). Last evaluated 2024-10-23.

Allele frequency attached by ClinVar (database versions not stated): 1000 Genomes Project 0.00020; 1000 Genomes Project 30x 0.00031.
gnomAD v4.1: 46 of 1,602,992 alleles (0.0029%); highest among the groups gnomAD compares: Middle Eastern, 0.033%; no homozygotes.

Submissions (3):

Blueprint Genetics
Classification: Likely benign. Last evaluated: 2024-10-23. Review status: criteria provided, single submitter. Criteria: ACMG Guidelines, 2015. Collection method: clinical testing. Allele origin: germline.

CeGaT Center for Human Genetics Tuebingen
Classification: Likely benign. Last evaluated: 2024-07-01. Review status: criteria provided, single submitter. Criteria: CeGaT Center For Human Genetics Tuebingen Variant Classification Criteria Version 2. Collection method: clinical testing. Allele origin: germline. Affected: yes. Observed: 1 variant allele.
Comment: HECW2: BP4, BP7

Laboratorio de Genetica e Diagnostico Molecular, Hospital Israelita Albert Einstein
Classification: Uncertain significance. Last evaluated: 2020-05-21. Review status: criteria provided, single submitter. Criteria: ACMG Guidelines, 2015. Collection method: clinical testing. Allele origin: germline. Affected: yes.
Comment: ACMG classification criteria: PM2

NM_001348768.2(HECW2):c.2499G>A (p.Thr833=)

Gene: HECW2 (HECT, C2 and WW domain containing E3 ubiquitin protein ligase 2; minus strand). Cytogenetic location: 2q32.3.
Variant type: single nucleotide variant.
Coding change: c.2499G>A on transcript NM_001348768.2 (MANE Select); coding-DNA position 2499, G replaced by A.
Protein change: p.Thr833=; no amino-acid change (threonine 833 retained).
Molecular consequence: synonymous variant.
Genome position (GRCh38, 1-based): chr2:196,308,021, C>T on the plus strand (G>A on the coding strand, the complement: HECW2 is on the minus strand). VCF-style: chr2-196308021-C-T. GRCh37 (hg19) VCF-style: chr2-197172745-C-T.
Other names: c.1431G>A, p.Thr477= (NM_001304840.3); c.2499G>A, p.Thr833= (NM_020760.4).
Identifiers: ClinVar variation 1690881 (VCV001690881.20), dbSNP rs369287403, ClinGen allele CA2038062.